The following is an entry in ClinVar:

NM_004525.3(LRP2):c.11581T>C (p.Cys3861Arg)

Gene: LRP2 (LDL receptor related protein 2; minus strand). Cytogenetic location: 2q31.1.
Variant type: single nucleotide variant.
Coding change: c.11581T>C on transcript NM_004525.3 (MANE Select); coding-DNA position 11581, T replaced by C.
Protein change: p.Cys3861Arg; replaces cysteine 3861 with arginine.
Molecular consequence: missense variant.
Genome position (GRCh38, 1-based): chr2:169,168,593, A>G on the plus strand (T>C on the coding strand, the complement: LRP2 is on the minus strand). VCF-style: chr2-169168593-A-G. GRCh37 (hg19) VCF-style: chr2-170025103-A-G.
Other names: short protein forms C3861R.
Identifiers: ClinVar variation 1307529 (VCV001307529.3), dbSNP rs2105272224, ClinGen allele CA349141315.
Genomic context (GRCh38, chr2:169,168,593, plus strand): 5'-TCTTACAGCACAGGTGAAGTTCTTCATCTGAACCATCGCCACAGTCATCATCGCCATCAC[A>G]TTTCCAATATGGCGGGATACAAACATGGTTTTTGCATTCGAACATAGTAGCCTGGCAGTA-3'
Protein context (NP_004516.2, residues 3851-3871): NHVCIPPYWK[Cys3861Arg]DGDDDCGDGS

ClinVar aggregate classification (germline): Uncertain significance (1 of 4 stars; one submission).

Submission:

GeneDx
Classification: Uncertain significance. Last evaluated: 2024-07-25. Review status: criteria provided, single submitter. Criteria: GeneDx Variant Classification Process June 2021. Collection method: clinical testing. Allele origin: germline. Affected: yes.
Comment: Not observed in large population cohorts (gnomAD); In silico analysis, which includes protein predictors and evolutionary conservation, supports a deleterious effect; Has not been previously published as pathogenic or benign to our knowledge